The following is an entry in ClinVar:

NM_001372044.2(SHANK3):c.574A>T (p.Lys192Ter)

Gene: SHANK3 (SH3 and multiple ankyrin repeat domains 3; plus strand). Cytogenetic location: 22q13.33.
Variant type: single nucleotide variant.
Coding change: c.574A>T on transcript NM_001372044.2 (MANE Select); coding-DNA position 574, A replaced by T.
Protein change: p.Lys192Ter; replaces lysine 192 with a stop codon.
Molecular consequence: nonsense.
Genome position (GRCh38, 1-based): chr22:50,678,594, A>T. VCF-style: chr22-50678594-A-T. GRCh37 (hg19) VCF-style: chr22-51117022-A-T.
Other names: c.349A>T (NM_033517.1); short protein forms K192*.
Identifiers: ClinVar variation 1029037 (VCV001029037.1), dbSNP rs2082934908, ClinGen allele CA515252475.
Genomic context (GRCh38, chr22:50,678,594, plus strand): 5'-TTCAGATGATGGAGGCCTTGGTGCCAGGCTGACTGACGGCCGGTGTTCCAGGCGAACCTG[A>T]AGAAGTTCATGGACTACGTCCAGCTGCATAGCACGGACAAGGTGGCACGCCTGTTGGACA-3'

ClinVar aggregate classification (germline): Pathogenic (1 of 4 stars; one submission).

Conditions:
Phelan-McDermid syndrome. Also called: TELOMERIC 22q13 MONOSOMY SYNDROME; 22q13.3 deletion syndrome; Phelan-McDermid Syndrome-SHANK3 Related. Identifiers: Orphanet 48652, MedGen C1853490, MONDO:0011652, OMIM 606232.

Submission:

Baylor Genetics
Classification: Pathogenic for Phelan-McDermid syndrome. Last evaluated: 2020-09-11. Review status: criteria provided, single submitter. Criteria: ACMG Guidelines, 2015. Collection method: clinical testing. Allele origin: unknown. Affected: yes.
Comment: This variant was determined to be pathogenic according to ACMG Guidelines, 2015 [PMID:25741868].